The following is an entry in ClinVar:

NM_004006.3(DMD):c.5288G>T (p.Arg1763Leu)

Gene: DMD (dystrophin; minus strand). Cytogenetic location: Xp21.1.
Variant type: single nucleotide variant.
Coding change: c.5288G>T on transcript NM_004006.3 (MANE Select); coding-DNA position 5288, G replaced by T.
Protein change: p.Arg1763Leu; replaces arginine 1763 with leucine.
Molecular consequence: missense variant.
Genome position (GRCh38, 1-based): chrX:32,362,825, C>A on the plus strand (G>T on the coding strand, the complement: DMD is on the minus strand). VCF-style: chrX-32362825-C-A. GRCh37 (hg19) VCF-style: chrX-32380942-C-A.
Other names: c.5264G>T, p.Arg1755Leu (NM_000109.4); c.5276G>T, p.Arg1759Leu (NM_004009.3); c.4919G>T, p.Arg1640Leu (NM_004010.3); c.1265G>T, p.Arg422Leu (NM_004011.4); c.1256G>T, p.Arg419Leu (NM_004012.4); short protein forms R1755L, R1759L, R1640L, R419L, R422L.
Identifiers: ClinVar variation 94659 (VCV000094659.61), dbSNP rs398123982, ClinGen allele CA222426.

ClinVar aggregate classification (germline): Conflicting classifications of pathogenicity. Review status: criteria provided, conflicting classifications (1 of 4 stars). 6 submissions from 6 submitters: Uncertain significance (4); Likely benign (1). 1 of the submissions does not count toward it. Last evaluated 2025-12-19.

Conditions:
Dystrophin deficiency.
Duchenne muscular dystrophy (DMD). Also called: MUSCULAR DYSTROPHY, PSEUDOHYPERTROPHIC PROGRESSIVE, DUCHENNE TYPE; Duchenne Muscular Dystrophy (DMD). Identifiers: Orphanet 98896, MedGen C0013264, MONDO:0010679, OMIM 310200.
Cardiomyopathy (CMYO). Also called: Cardiomyopathies. Identifiers: Orphanet 167848, MedGen C0878544, MONDO:0004994, HP:0001638. Inheritance: Various modes of inheritance.
Becker muscular dystrophy (BMD). Also called: MUSCULAR DYSTROPHY, PSEUDOHYPERTROPHIC PROGRESSIVE, BECKER TYPE; Becker Muscular Dystrophy (BMD). Identifiers: Orphanet 98895, MedGen C0917713, MONDO:0010311, OMIM 300376.
Cardiovascular phenotype. Identifiers: MedGen CN230736.

Allele frequency attached by ClinVar (database versions not stated): TOPMed 0.00002; ExAC 0.00003; gnomAD exomes 0.00003; gnomAD 0.00005.
gnomAD v4.1: 27 of 1,208,931 alleles (0.0022%); highest among the groups gnomAD compares: Non-Finnish European, 0.0029%; no homozygotes.

Submissions (7):

Labcorp Genetics (formerly Invitae), Labcorp
Classification: Likely benign for Duchenne muscular dystrophy. Last evaluated: 2025-12-19. Review status: criteria provided, single submitter. Criteria: Invitae Variant Classification Sherloc (09022015). Collection method: clinical testing. Allele origin: germline.

ARUP Laboratories, Molecular Genetics and Genomics, ARUP Laboratories
Classification: Uncertain significance. Last evaluated: 2018-11-28. Review status: criteria provided, single submitter. Criteria: ARUP Molecular Germline Variant Investigation Process. Collection method: clinical testing. Allele origin: germline.
Comment: The DMD c.5288G>T; p.Arg1763Leu variant (rs398123982), to our knowledge, is not reported in the medical literature but is reported in ClinVar (Variation ID: 94659). This variant is found in the non-Finnish European population with an overall allele frequency of 0.01% (9/92547 alleles, including one hemizygote) in the Genome Aggregation Database. The arginine at codon 1763 is highly conserved, but computational analyses (SIFT: damaging, PolyPhen-2: benign) predict conflicting effects of this variant on protein structure/function. Given the lack of clinical and functional data, the significance of the p.Arg1763Leu variant is uncertain at this time.

Ambry Genetics
Classification: Uncertain significance for Cardiovascular phenotype. Last evaluated: 2018-04-22. Review status: criteria provided, single submitter. Criteria: Ambry Variant Classification Scheme 2023. Collection method: clinical testing. Allele origin: germline.

Eurofins Ntd Llc (ga)
Classification: Uncertain significance. Last evaluated: 2017-10-31. Review status: criteria provided, single submitter. Criteria: EGL Classification Definitions 2015. Collection method: clinical testing. Allele origin: germline. Observed: 1 variant allele, 1 hemizygote.

CeGaT Center for Human Genetics Tuebingen
Classification: Uncertain significance. Last evaluated: 2017-09-01. Review status: criteria provided, single submitter. Criteria: CeGaT Center For Human Genetics Tuebingen Variant Classification Criteria Version 2. Collection method: clinical testing. Allele origin: germline. Affected: yes. Observed: 1 variant allele.

Natera, Inc.
Classification: Uncertain significance for Becker muscular dystrophy; Cardiomyopathy; Duchenne muscular dystrophy; Dystrophin deficiency. Last evaluated: 2018-09-04. Review status: no assertion criteria provided. Collection method: clinical testing. Allele origin: germline. Not counted in ClinVar's aggregate classification.

Dr. Peter K. Rogan Lab, Western University
No classification provided (evidence only). Condition: Thyroid cancer, nonmedullary, 1. Review status: no classification provided. Collection method: in vitro. Allele origin: not applicable. Functional consequence: retained intron. Not counted in ClinVar's aggregate classification.